The following is an entry in ClinVar:

NM_004999.4(MYO6):c.1381+1G>T

Gene: MYO6 (myosin VI; plus strand). Cytogenetic location: 6q14.1.
Variant type: single nucleotide variant.
Coding change: c.1381+1G>T on transcript NM_004999.4 (MANE Select); the canonical splice donor site of the intron after coding-DNA position 1381, G replaced by T.
Molecular consequence: splice donor variant.
Genome position (GRCh38, 1-based): chr6:75,857,255, G>T. VCF-style: chr6-75857255-G-T. GRCh37 (hg19) VCF-style: chr6-76566972-G-T.
Other names: c.1381+1G>T (NM_001368865.1, NM_001368866.1, NM_001368137.1 and 2 more transcripts); c.1366+1G>T (NM_001368138.1).
Identifiers: ClinVar variation 3066288 (VCV003066288.1), dbSNP rs2535265747, ClinGen allele CA364760253.
Genomic context (GRCh38, chr6:75,857,255, plus strand): 5'-AGTGTTTTCCTTTTGAAACATCATCCTATTTTATTGGAGTCCTAGATATTGCTGGTTTTG[G>T]TAAGTAGAGTTTCTTTTGTGAGTATATATTTGTTTCATATTTTTTCACACATTAGAATTT-3'

ClinVar aggregate classification (germline): Likely pathogenic (1 of 4 stars; one submission).

Conditions:
Autosomal dominant nonsyndromic hearing loss 22. Also called: Autosomal dominant nonsyndromic deafness 22; DFNA 22. Identifiers: Orphanet 228012, MedGen C2931767, MONDO:0011660, OMIM 606346.

Submission:

MVZ Medizinische Genetik Mainz
Classification: Likely pathogenic for Autosomal dominant nonsyndromic hearing loss 22. Last evaluated: 2022-08-12. Review status: criteria provided, single submitter. Criteria: UK Practice Guidelines For Variant Classification V4 01 2020. Collection method: clinical testing. Allele origin: germline. Inheritance: Autosomal dominant inheritance. Affected: yes. Observed: 1 variant allele.
Comment: ACMG Criteria: PVS1, PM2_SUP